The following is an entry in ClinVar:

NM_017763.6(RNF43):c.567G>A (p.Lys189=)

Gene: RNF43 (ring finger protein 43; minus strand). Cytogenetic location: 17q22.
Variant type: single nucleotide variant.
Coding change: c.567G>A on transcript NM_017763.6 (MANE Select); coding-DNA position 567, G replaced by A.
Protein change: p.Lys189=; no amino-acid change (lysine 189 retained).
Molecular consequence: synonymous variant.
Genome position (GRCh38, 1-based): chr17:58,363,290, C>T on the plus strand (G>A on the coding strand, the complement: RNF43 is on the minus strand). VCF-style: chr17-58363290-C-T. GRCh37 (hg19) VCF-style: chr17-56440651-C-T.
Other names: c.567G>A, p.Lys189= (NM_001305544.3, NM_001438820.1, NM_001438821.1 and 1 more transcripts); c.186G>A, p.Lys62= (NM_001305545.2, NM_001437987.1).
Identifiers: ClinVar variation 4875751 (VCV004875751.1).
Genomic context (GRCh38, chr17:58,363,290, plus strand): 5'-GTAGGGCTAAGTGCAGGGCAAGGTCTGGAGGTCTAGTGTGCTTACCCAGGCCGGGGGCTC[C>T]TTCAGCTCAATCCTCACATGGGCCTTTTGGTTCTTGTACACAAACTCCATCAGCTTCTCA-3'
Protein context (NP_060233.3, residues 179-199): NQKAHVRIEL[Lys189=]EPPAWPDYDV

ClinVar aggregate classification (germline): Benign (1 of 4 stars; one submission).

Conditions:
Sessile serrated polyposis cancer syndrome (SSPCS). Identifiers: Orphanet 157798, MedGen C4310714, MONDO:0014919, OMIM 617108.

Submission:

Myriad Genetics, Inc.
Classification: Benign for Sessile serrated polyposis cancer syndrome. Last evaluated: 2026-06-30. Review status: criteria provided, single submitter. Criteria: Myriad Autosomal Dominant, Autosomal Recessive and X-Linked Classification Criteria (2023). Collection method: clinical testing. Allele origin: unknown.
Comment: This variant is considered benign. This variant is a silent/synonymous amino acid change and it is not expected to impact splicing.